The following is an entry in ClinVar:

ClinVar aggregate classification (germline): Benign/Likely benign. Review status: criteria provided, multiple submitters, no conflicts (2 of 4 stars). 7 submissions from 7 submitters: Benign (1); Likely benign (6). Last evaluated 2025-07-30.

Conditions:
Hereditary cancer-predisposing syndrome. Also called: Neoplastic Syndromes, Hereditary; Tumor predisposition; Hereditary Cancer Syndrome; Hereditary neoplastic syndrome. Identifiers: Orphanet 140162, MedGen C0027672, MeSH D009386, MONDO:0015356.
BAP1-related tumor predisposition syndrome (TPDS1). Also called: Tumor susceptibility linked to germline BAP1 mutations; COMMON Syndrome; BAP1 tumor predisposition syndrome; TUMOR PREDISPOSITION SYNDROME 1. Identifiers: Orphanet 289539, MedGen C3280492, MONDO:0013692, OMIM 614327.

Allele frequency attached by ClinVar (database versions not stated): ExAC 0.00001; gnomAD 0.00001; gnomAD exomes 0.00001.
gnomAD v4.1: 12 of 1,614,056 alleles (0.00074%); highest among the groups gnomAD compares: Middle Eastern, 0.016%; no homozygotes.

Submissions (7):

Labcorp Genetics (formerly Invitae), Labcorp
Classification: Likely benign for BAP1-related tumor predisposition syndrome. Last evaluated: 2025-07-30. Review status: criteria provided, single submitter. Criteria: Invitae Variant Classification Sherloc (09022015). Collection method: clinical testing. Allele origin: germline.

Center for Genomic Medicine, Rigshospitalet, Copenhagen University Hospital
Classification: Likely benign. Last evaluated: 2025-03-04. Review status: criteria provided, single submitter. Criteria: ACMG Guidelines, 2015. Collection method: clinical testing. Allele origin: germline.

Myriad Genetics, Inc.
Classification: Benign for BAP1-related tumor predisposition syndrome. Last evaluated: 2024-07-12. Review status: criteria provided, single submitter. Criteria: Myriad Autosomal Dominant, Autosomal Recessive and X-Linked Classification Criteria (2023). Collection method: clinical testing. Allele origin: unknown.
Comment: This variant is considered benign. This variant is a silent/synonymous amino acid change and it is not expected to impact splicing.

Blueprint Genetics
Classification: Likely benign. Last evaluated: 2023-09-14. Review status: criteria provided, single submitter. Criteria: ACMG Guidelines, 2015. Collection method: clinical testing. Allele origin: germline.

Quest Diagnostics Nichols Institute San Juan Capistrano
Classification: Likely benign. Last evaluated: 2023-03-16. Review status: criteria provided, single submitter. Criteria: Quest Diagnostics criteria. Collection method: clinical testing. Allele origin: unknown.

Ambry Genetics
Classification: Likely benign for Hereditary cancer-predisposing syndrome. Last evaluated: 2018-08-31. Review status: criteria provided, single submitter. Criteria: Ambry Variant Classification Scheme 2023. Collection method: clinical testing. Allele origin: germline.

Color Diagnostics, LLC DBA Color Health
Classification: Likely benign for Hereditary cancer-predisposing syndrome. Last evaluated: 2017-03-20. Review status: criteria provided, single submitter. Criteria: ACMG Guidelines, 2015. Collection method: clinical testing. Allele origin: germline.

Literature cited by the submitters: PubMed 30374176 (cited by Quest Diagnostics Nichols Institute San Juan Capistrano).

NM_004656.4(BAP1):c.405G>A (p.Pro135=)

Gene: BAP1 (BRCA1 associated deubiquitinase 1; minus strand). Cytogenetic location: 3p21.1.
Variant type: single nucleotide variant.
Coding change: c.405G>A on transcript NM_004656.4 (MANE Select); coding-DNA position 405, G replaced by A.
Protein change: p.Pro135=; no amino-acid change (proline 135 retained).
Molecular consequence: synonymous variant.
Genome position (GRCh38, 1-based): chr3:52,407,431, C>T on the plus strand (G>A on the coding strand, the complement: BAP1 is on the minus strand). VCF-style: chr3-52407431-C-T. GRCh37 (hg19) VCF-style: chr3-52441447-C-T.
Identifiers: ClinVar variation 412437 (VCV000412437.18), dbSNP rs768046980, ClinGen allele CA2437086.